The following is an entry in ClinVar:

NM_007294.4(BRCA1):c.3279_3280del (p.Val1093_Tyr1094insTer)

Genes: BRCA1 (BRCA1 DNA repair associated; minus strand), LOC126862571 (BRD4-independent group 4 enhancer GRCh37_chr17:41243136-41244335; plus strand). Cytogenetic location: 17q21.31.
Variant type: Deletion.
Coding change: c.3279_3280del on transcript NM_007294.4 (MANE Select); coding-DNA positions 3279 to 3280, 2 bases deleted (CT; older notation c.3279_3280delCT).
Protein change: p.Val1093_Tyr1094insTer.
Molecular consequence: frameshift variant. On other transcripts: nonsense (1), intron variant (137).
Genome position (GRCh38, 1-based): chr17:43,092,251-43,092,252, AG deleted on the plus strand (CT on the coding strand, the reverse complement: BRCA1 is on the minus strand); deleting any 2 consecutive bases within chr17:43,092,251-43,092,253 gives the same sequence; the c. name uses the placement nearest the transcript's 3' end. VCF-style (leftmost placement, unchanged base first): chr17-43092250-TAG-T. GRCh37 (hg19) VCF-style: chr17-41244267-TAG-T.
Other names: c.3279_3280delCT (NM_007294.3); c.3066_3067del, p.Val1022_Tyr1023insTer (NM_001407571.1, NM_001407853.1, NM_001407894.1 and 9 more transcripts); c.3279_3280del, p.Val1093_Tyr1094insTer (NM_001407581.1, NM_001407582.1, NM_001407583.1 and 30 more transcripts); c.3276_3277del, p.Val1092_Tyr1093insTer (NM_001407587.1, NM_001407590.1, NM_001407591.1 and 22 more transcripts); c.3270_3271del, p.Val1090_Tyr1091insTer (NM_001407646.1, NM_001407647.1); c.3156_3157del, p.Val1052_Tyr1053insTer (NM_001407648.1, NM_001407664.1, NM_001407665.1 and 19 more transcripts); c.3153_3154del, p.Val1051_Tyr1052insTer (NM_001407649.1, NM_001407670.1, NM_001407671.1 and 11 more transcripts); c.3201_3202del, p.Val1067_Tyr1068insTer (NM_001407653.1, NM_001407654.1, NM_001407655.1 and 4 more transcripts); and 42 more.
Identifiers: ClinVar variation 254425 (VCV000254425.6), dbSNP rs886038010, ClinGen allele CA10586633.
Genomic context (GRCh38, chr17:43,092,250, plus strand): 5'-TCATATTCTTGCTTTTTTATTTCAGGATGCTTACAATTACTTCCAGGAAGACTTTGTTTA[TAG>T]ACCTCAGGTTGCAAAACCCCTAATCTAAGCATAGCATTCAATTTTGGCCCTCTGTTTCTA-3'

ClinVar aggregate classification (germline): Pathogenic. Review status: reviewed by expert panel (3 of 4 stars). 2 submissions from 2 submitters: Pathogenic (1). 1 of the submissions does not count toward it. Last evaluated 2016-09-08.

Conditions:
Hereditary breast ovarian cancer syndrome. Also called: Hereditary breast and ovarian cancer syndrome (HBOC); Breast and ovarian cancer; Hereditary breast and ovarian cancer syndrome; Hereditary breast and ovarian cancer; BRCA1- and BRCA2-Associated Hereditary Breast and Ovarian Cancer; Hereditary breast and/or ovarian cancer syndrome. Identifiers: Orphanet 145, MedGen C0677776, MeSH D061325, MONDO:0003582. Disease mechanism: loss of function.
Breast-ovarian cancer, familial, susceptibility to, 1 (BROVCA1). Also called: BRCA1 Hereditary Breast and Ovarian Cancer; OVARIAN CANCER, SUSCEPTIBILITY TO. Identifiers: Orphanet 145, MedGen C2676676, MONDO:0011450, OMIM 604370. Disease mechanism: loss of function.

Submissions (2):

Evidence-based Network for the Interpretation of Germline Mutant Alleles (ENIGMA)
Classification: Pathogenic for Breast-ovarian cancer, familial, susceptibility to, 1. Last evaluated: 2016-09-08. Review status: reviewed by expert panel. Criteria: ENIGMA BRCA1/2 Classification Criteria (2015). Collection method: curation. Allele origin: germline.
Comment: Variant allele predicted to encode a truncated non-functional protein.

Labcorp Genetics (formerly Invitae), Labcorp
Classification: Pathogenic for Hereditary breast ovarian cancer syndrome. Last evaluated: 2023-09-25. Review status: criteria provided, single submitter. Criteria: Invitae Variant Classification Sherloc (09022015). Collection method: clinical testing. Allele origin: germline. Not counted in ClinVar's aggregate classification.
Comment: For these reasons, this variant has been classified as Pathogenic. ClinVar contains an entry for this variant (Variation ID: 254425). This variant has not been reported in the literature in individuals affected with BRCA1-related conditions. This variant is not present in population databases (gnomAD no frequency). This sequence change creates a premature translational stop signal (p.Tyr1094*) in the BRCA1 gene. It is expected to result in an absent or disrupted protein product. Loss-of-function variants in BRCA1 are known to be pathogenic (PMID: 20104584).

Literature cited by the submitters: PubMed 20104584 (cited by Labcorp Genetics (formerly Invitae), Labcorp).